The following is an entry in ClinVar:

ClinVar aggregate classification (germline): Conflicting classifications of pathogenicity. Review status: criteria provided, conflicting classifications (1 of 4 stars). 2 submissions from 2 submitters: Uncertain significance (1); Likely benign (1). Last evaluated 2023-03-23.

Conditions:
Hereditary cancer-predisposing syndrome. Also called: Hereditary neoplastic syndrome; Tumor predisposition; Hereditary Cancer Syndrome; Neoplastic Syndromes, Hereditary. Identifiers: Orphanet 140162, MedGen C0027672, MeSH D009386, MONDO:0015356.

Submissions (2):

University of Washington Department of Laboratory Medicine, University of Washington
Classification: Likely benign for Hereditary cancer-predisposing syndrome. Last evaluated: 2023-03-23. Review status: criteria provided, single submitter. Criteria: Dines et al. (Genet Med. 2020). Collection method: curation. Allele origin: germline.
Comment: Missense variant in a coldspot region where missense variants are very unlikely to be pathogenic (PMID:31911673).

BRCA2 exon 11 coldspot. Reclassification based on statistical prior probability.

Color Diagnostics, LLC DBA Color Health
Classification: Uncertain significance for Hereditary cancer-predisposing syndrome. Last evaluated: 2019-04-17. Review status: criteria provided, single submitter. Criteria: ACMG Guidelines, 2015. Collection method: clinical testing. Allele origin: germline.

NM_000059.4(BRCA2):c.5581A>G (p.Lys1861Glu)

Gene: BRCA2 (BRCA2 DNA repair associated; plus strand). Cytogenetic location: 13q13.1.
Variant type: single nucleotide variant.
Coding change: c.5581A>G on transcript NM_000059.4 (MANE Select); coding-DNA position 5581, A replaced by G.
Protein change: p.Lys1861Glu; replaces lysine 1861 with glutamic acid.
Molecular consequence: missense variant.
Genome position (GRCh38, 1-based): chr13:32,339,936, A>G. VCF-style: chr13-32339936-A-G. GRCh37 (hg19) VCF-style: chr13-32914073-A-G.
Other names: short protein forms K1861E.
Identifiers: ClinVar variation 491293 (VCV000491293.6), dbSNP rs1555284282, ClinGen allele CA387786017.